The following is an entry in ClinVar:

NM_001111067.4(ACVR1):c.1078A>G (p.Met360Val)

Gene: ACVR1 (activin A receptor type 1; minus strand). Cytogenetic location: 2q24.1.
Variant type: single nucleotide variant.
Coding change: c.1078A>G on transcript NM_001111067.4 (MANE Select); coding-DNA position 1078, A replaced by G.
Protein change: p.Met360Val; replaces methionine 360 with valine.
Molecular consequence: missense variant.
Genome position (GRCh38, 1-based): chr2:157,761,066, T>C on the plus strand (A>G on the coding strand, the complement: ACVR1 is on the minus strand). VCF-style: chr2-157761066-T-C. GRCh37 (hg19) VCF-style: chr2-158617578-T-C.
Other names: c.1078A>G, p.Met360Val (NM_001105.5, NM_001347663.1, NM_001347664.1 and 3 more transcripts); short protein forms M360V.
Identifiers: ClinVar variation 4769202 (VCV004769202.1).

ClinVar aggregate classification (germline): Uncertain significance (1 of 4 stars; one submission).

gnomAD v4.1: 5 of 1,613,878 alleles (0.00031%); highest among the groups gnomAD compares: East Asian, 0.011%; no homozygotes.

Submission:

Labcorp Genetics (formerly Invitae), Labcorp
Classification: Uncertain significance. Last evaluated: 2025-05-11. Review status: criteria provided, single submitter. Criteria: Invitae Variant Classification Sherloc (09022015). Collection method: clinical testing. Allele origin: germline.
Comment: This sequence change replaces methionine, which is neutral and non-polar, with valine, which is neutral and non-polar, at codon 360 of the ACVR1 protein (p.Met360Val). This variant is present in population databases (no rsID available, gnomAD 0.006%). This variant has not been reported in the literature in individuals affected with ACVR1-related conditions. An algorithm developed to predict the effect of missense changes on protein structure and function (PolyPhen-2) suggests that this variant is likely to be tolerated. In summary, the available evidence is currently insufficient to determine the role of this variant in disease. Therefore, it has been classified as a Variant of Uncertain Significance.